The following is an entry in ClinVar:

NM_024408.4(NOTCH2):c.3103C>G (p.Leu1035Val)

Gene: NOTCH2 (notch receptor 2; minus strand). Cytogenetic location: 1p12.
Variant type: single nucleotide variant.
Coding change: c.3103C>G on transcript NM_024408.4 (MANE Select); coding-DNA position 3103, C replaced by G.
Protein change: p.Leu1035Val; replaces leucine 1035 with valine.
Molecular consequence: missense variant.
Genome position (GRCh38, 1-based): chr1:119,940,635, G>C on the plus strand (C>G on the coding strand, the complement: NOTCH2 is on the minus strand). VCF-style: chr1-119940635-G-C. GRCh37 (hg19) VCF-style: chr1-120483258-G-C.
Other names: c.3103C>G, p.Leu1035Val (NM_001200001.2); c.3103C>G (NM_024408.3); short protein forms L1035V.
Identifiers: ClinVar variation 2174528 (VCV002174528.6), dbSNP rs781839292, ClinGen allele CA1040145.

ClinVar aggregate classification (germline): Uncertain significance. Review status: criteria provided, multiple submitters, no conflicts (2 of 4 stars). 2 submissions from 2 submitters: Uncertain significance (2). Last evaluated 2025-10-24.

Conditions:
NOTCH2-related disorder. Also called: NOTCH2-related condition.
Hajdu-Cheney syndrome (HJCYS). Also called: ACROOSTEOLYSIS WITH OSTEOPOROSIS AND CHANGES IN SKULL AND MANDIBLE; Acroosteolysis dominant type; SERPENTINE FIBULA-POLYCYSTIC KIDNEY SYNDROME. Identifiers: Orphanet 955, MedGen C0917715, MONDO:0007057, OMIM 102500.

Allele frequency attached by ClinVar (database versions not stated): gnomAD exomes 0.00001; ExAC 0.00002; TOPMed 0.00002.
gnomAD v4.1: 16 of 1,613,930 alleles (0.00099%); highest among the groups gnomAD compares: Non-Finnish European, 0.0012%; no homozygotes.

Submissions (2):

PreventionGenetics, part of Exact Sciences
Classification: Uncertain significance for NOTCH2-related condition. Last evaluated: 2025-10-24. Review status: criteria provided, single submitter. Criteria: ACMG Guidelines, 2015. Collection method: clinical testing. Allele origin: germline.
Comment: The NOTCH2 c.3103C>G variant is predicted to result in the amino acid substitution p.Leu1035Val. To our knowledge, this variant has not been reported in the literature. This variant is reported in 0.0018% of alleles in individuals of European (Non-Finnish) descent in gnomAD. At this time, the clinical significance of this variant is uncertain due to the absence of conclusive functional and genetic evidence.

Labcorp Genetics (formerly Invitae), Labcorp
Classification: Uncertain significance for Hajdu-Cheney syndrome. Last evaluated: 2024-07-31. Review status: criteria provided, single submitter. Criteria: Invitae Variant Classification Sherloc (09022015). Collection method: clinical testing. Allele origin: germline.
Comment: This sequence change replaces leucine, which is neutral and non-polar, with valine, which is neutral and non-polar, at codon 1035 of the NOTCH2 protein (p.Leu1035Val). This variant is present in population databases (rs781839292, gnomAD 0.002%). This variant has not been reported in the literature in individuals affected with NOTCH2-related conditions. ClinVar contains an entry for this variant (Variation ID: 2174528). Advanced modeling of protein sequence and biophysical properties (such as structural, functional, and spatial information, amino acid conservation, physicochemical variation, residue mobility, and thermodynamic stability) performed at Invitae indicates that this missense variant is not expected to disrupt NOTCH2 protein function with a negative predictive value of 80%. In summary, the available evidence is currently insufficient to determine the role of this variant in disease. Therefore, it has been classified as a Variant of Uncertain Significance.